The following is an entry in ClinVar:

NM_001252024.2(TRPM1):c.601G>C (p.Asp201His)

Gene: TRPM1 (transient receptor potential cation channel subfamily M member 1; minus strand). Cytogenetic location: 15q13.3.
Variant type: single nucleotide variant.
Coding change: c.601G>C on transcript NM_001252024.2 (MANE Select); coding-DNA position 601, G replaced by C.
Protein change: p.Asp201His; replaces aspartic acid 201 with histidine.
Molecular consequence: missense variant.
Genome position (GRCh38, 1-based): chr15:31,067,080, C>G on the plus strand (G>C on the coding strand, the complement: TRPM1 is on the minus strand). VCF-style: chr15-31067080-C-G. GRCh37 (hg19) VCF-style: chr15-31359283-C-G.
Other names: c.652G>C, p.Asp218His (NM_001252020.2); c.535G>C, p.Asp179His (NM_002420.6); short protein forms D201H, D218H, D179H.
Identifiers: ClinVar variation 1513962 (VCV001513962.8), dbSNP rs2034397145, ClinGen allele CA391533564.
Genomic context (GRCh38, chr15:31,067,080, plus strand): 5'-TTAATTTTAAAAAACTGCCAACATTTGCAGAGAAAACACTTACATCCTTTCCAACCAGGT[C>G]TTCCTTATTCTCCACGATGCCCCATGGAGCAATTCCTATAGCACAAACCCGGCCTCTGGA-3'
Protein context (NP_001238953.1, residues 191-211): APWGIVENKE[Asp201His]LVGKDVTRVY

ClinVar aggregate classification (germline): Uncertain significance (1 of 4 stars; one submission).

Allele frequency attached by ClinVar (database versions not stated): gnomAD exomes below 0.00001; TOPMed below 0.00001.
gnomAD v4.1: 7 of 1,614,202 alleles (0.00043%); highest among the groups gnomAD compares: Non-Finnish European, 0.00059%; no homozygotes.

Submission:

Labcorp Genetics (formerly Invitae), Labcorp
Classification: Uncertain significance. Last evaluated: 2022-09-06. Review status: criteria provided, single submitter. Criteria: Invitae Variant Classification Sherloc (09022015). Collection method: clinical testing. Allele origin: germline.
Comment: In summary, the available evidence is currently insufficient to determine the role of this variant in disease. Therefore, it has been classified as a Variant of Uncertain Significance. Algorithms developed to predict the effect of missense changes on protein structure and function are either unavailable or do not agree on the potential impact of this missense change (SIFT: "Deleterious"; PolyPhen-2: "Probably Damaging"; Align-GVGD: "Class C0"). ClinVar contains an entry for this variant (Variation ID: 1513962). This variant has not been reported in the literature in individuals affected with TRPM1-related conditions. This variant is not present in population databases (gnomAD no frequency). This sequence change replaces aspartic acid, which is acidic and polar, with histidine, which is basic and polar, at codon 179 of the TRPM1 protein (p.Asp179His).